The following is an entry in ClinVar:

ClinVar aggregate classification (germline): Uncertain significance (1 of 4 stars; one submission).

Conditions:
Juvenile polyposis syndrome (JPS). Identifiers: Orphanet 2929, MedGen C0345893, MONDO:0017380, OMIM 174900.

Submission:

Labcorp Genetics (formerly Invitae), Labcorp
Classification: Uncertain significance for Juvenile polyposis syndrome. Last evaluated: 2024-05-28. Review status: criteria provided, single submitter. Criteria: Invitae Variant Classification Sherloc (09022015). Collection method: clinical testing. Allele origin: germline.
Comment: This sequence change replaces leucine, which is neutral and non-polar, with valine, which is neutral and non-polar, at codon 154 of the BMPR1A protein (p.Leu154Val). This variant is not present in population databases (gnomAD no frequency). This variant has not been reported in the literature in individuals affected with BMPR1A-related conditions. Advanced modeling of protein sequence and biophysical properties (such as structural, functional, and spatial information, amino acid conservation, physicochemical variation, residue mobility, and thermodynamic stability) performed at Invitae indicates that this missense variant is not expected to disrupt BMPR1A protein function with a negative predictive value of 80%. In summary, the available evidence is currently insufficient to determine the role of this variant in disease. Therefore, it has been classified as a Variant of Uncertain Significance.

NM_004329.3(BMPR1A):c.460C>G (p.Leu154Val)

Gene: BMPR1A (bone morphogenetic protein receptor type 1A; plus strand). Cytogenetic location: 10q23.2.
Variant type: single nucleotide variant.
Coding change: c.460C>G on transcript NM_004329.3 (MANE Select); coding-DNA position 460, C replaced by G.
Protein change: p.Leu154Val; replaces leucine 154 with valine.
Molecular consequence: missense variant. On other transcripts: non-coding transcript variant (3), intron variant (1).
Genome position (GRCh38, 1-based): chr10:86,900,056, C>G. VCF-style: chr10-86900056-C-G. GRCh37 (hg19) VCF-style: chr10-88659813-C-G.
Other names: c.460C>G, p.Leu154Val (NM_001406566.1, NM_001406567.1, NM_001406568.1 and 22 more transcripts); c.376C>G, p.Leu126Val (NM_001406585.1, NM_001406586.1, NM_001406587.1 and 2 more transcripts); c.333+7827C>G (NM_001406589.1); short protein forms L154V, L126V.
Identifiers: ClinVar variation 3638045 (VCV003638045.2).
Genomic context (GRCh38, chr10:86,900,056, plus strand): 5'-AATTGTTTACATTGTTTACTTTTATTGTCAGGTCCGTTTTTTGATGGCAGCATTCGATGG[C>G]TGGTTTTGCTCATTTCTATGGCTGTCTGCATAATTGCTATGATCATCTTCTCCAGCTGCT-3'
Protein context (NP_004320.2, residues 144-164): GPFFDGSIRW[Leu154Val]VLLISMAVCI